The following is an entry in ClinVar:

NM_021096.4(CACNA1I):c.470T>A (p.Ile157Asn)

Gene: CACNA1I (calcium voltage-gated channel subunit alpha1 I; plus strand). Cytogenetic location: 22q13.1.
Variant type: single nucleotide variant.
Coding change: c.470T>A on transcript NM_021096.4 (MANE Select); coding-DNA position 470, T replaced by A.
Protein change: p.Ile157Asn; replaces isoleucine 157 with asparagine.
Molecular consequence: missense variant.
Genome position (GRCh38, 1-based): chr22:39,600,641, T>A. VCF-style: chr22-39600641-T-A. GRCh37 (hg19) VCF-style: chr22-39996646-T-A.
Other names: c.470T>A, p.Ile157Asn (NM_001003406.2); short protein forms I157N.
Identifiers: ClinVar variation 1310307 (VCV001310307.2), dbSNP rs2145828528, ClinGen allele CA411619374.
Genomic context (GRCh38, chr22:39,600,641, plus strand): 5'-TGGGGATTTTTGGCAAGAAGTGCTACCTCGGGGACACATGGAACCGCCTGGATTTCTTCA[T>A]CGTCATGGCAGGGTAGGTAGCGCCCGCCAGGCAGGTCCTAGCCTCTGGTGCACACCAGGC-3'
Protein context (NP_066919.2, residues 147-167): GDTWNRLDFF[Ile157Asn]VMAGMVEYSL

ClinVar aggregate classification (germline): Uncertain significance (1 of 4 stars; one submission).

Submission:

GeneDx
Classification: Uncertain significance. Last evaluated: 2019-11-16. Review status: criteria provided, single submitter. Criteria: GeneDx Variant Classification Process June 2021. Collection method: clinical testing. Allele origin: germline. Affected: yes.
Comment: Variants in candidate genes are classified as variants of uncertain significance in accordance with ACMG guidelines (Richards et al., 2015); Has not been previously published as pathogenic or benign to our knowledge; In silico analysis, which includes protein predictors and evolutionary conservation, supports a deleterious effect; Not observed in large population cohorts (Lek et al., 2016)